The following is an entry in ClinVar:

NM_006363.6(SEC23B):c.990C>T (p.Thr330=)

Gene: SEC23B (SEC23 homolog B, COPII component; plus strand). Cytogenetic location: 20p11.23.
Variant type: single nucleotide variant.
Coding change: c.990C>T on transcript NM_006363.6 (MANE Select); coding-DNA position 990, C replaced by T.
Protein change: p.Thr330=; no amino-acid change (threonine 330 retained).
Molecular consequence: synonymous variant.
Genome position (GRCh38, 1-based): chr20:18,526,528, C>T. VCF-style: chr20-18526528-C-T. GRCh37 (hg19) VCF-style: chr20-18507172-C-T.
Other names: c.990C>T, p.Thr330= (NM_001172745.3, NM_032985.6, NM_032986.5); c.936C>T, p.Thr312= (NM_001172746.3).
Identifiers: ClinVar variation 2926144 (VCV002926144.11), dbSNP rs147177828, ClinGen allele CA9778179.
Genomic context (GRCh38, chr20:18,526,528, plus strand): 5'-TCCTATTCGTTCTTGGCATGATATTGAGAAAGATAATGCACGATTCATGAAAAAGGCAAC[C>T]AAGGTAGGTGCTCTTGGGTATGGGCTGTAATTCTGAAAGCCCATTGTCAGGTTTGGGCTG-3'
Protein context (NP_006354.2, residues 320-340): KDNARFMKKA[Thr330=]KHYEMLANRT

ClinVar aggregate classification (germline): Likely benign. Review status: criteria provided, multiple submitters, no conflicts (2 of 4 stars). 2 submissions from 2 submitters: Likely benign (2). Last evaluated 2025-12-17.

Conditions:
Congenital dyserythropoietic anemia, type II (CDAN2). Also called: DYSERYTHROPOIETIC ANEMIA, HEMPAS TYPE. Identifiers: Orphanet 98873, MedGen C1306589, MONDO:0009134, OMIM 224100.
Cowden syndrome 7 (CWS7). Identifiers: Orphanet 201, MedGen C4225179, MONDO:0014802, OMIM 616858.

Allele frequency attached by ClinVar (database versions not stated): TOPMed 0.00002; gnomAD 0.00004; ESP Exome Variant Server 0.00008.
gnomAD v4.1: 22 of 1,613,934 alleles (0.0014%); highest among the groups gnomAD compares: Non-Finnish European, 0.0018%; no homozygotes.

Submissions (2):

Labcorp Genetics (formerly Invitae), Labcorp
Classification: Likely benign for Congenital dyserythropoietic anemia, type II; Cowden syndrome 7. Last evaluated: 2025-12-17. Review status: criteria provided, single submitter. Criteria: Invitae Variant Classification Sherloc (09022015). Collection method: clinical testing. Allele origin: germline.

CeGaT Center for Human Genetics Tuebingen
Classification: Likely benign. Last evaluated: 2025-06-01. Review status: criteria provided, single submitter. Criteria: CeGaT Center For Human Genetics Tuebingen Variant Classification Criteria Version 2. Collection method: clinical testing. Allele origin: germline. Affected: yes. Observed: 1 variant allele.
Comment: SEC23B: BP4, BP7